The following is an entry in ClinVar:

NM_001127644.2(GABRA1):c.718A>T (p.Met240Leu)

Gene: GABRA1 (gamma-aminobutyric acid type A receptor subunit alpha1; plus strand). Cytogenetic location: 5q34.
Variant type: single nucleotide variant.
Coding change: c.718A>T on transcript NM_001127644.2 (MANE Select); coding-DNA position 718, A replaced by T.
Protein change: p.Met240Leu; replaces methionine 240 with leucine.
Molecular consequence: missense variant.
Genome position (GRCh38, 1-based): chr5:161,890,912, A>T. VCF-style: chr5-161890912-A-T. GRCh37 (hg19) VCF-style: chr5-161317918-A-T.
Other names: c.718A>T, p.Met240Leu (NM_000806.5, NM_001127643.2, NM_001127645.2 and 1 more transcripts); short protein forms M240L.
Identifiers: ClinVar variation 2662078 (VCV002662078.1), dbSNP rs2532280098, ClinGen allele CA362179744.
Genomic context (GRCh38, chr5:161,890,912, plus strand): 5'-TTCTAAAGTCAAATTGCTCATCTTTCTTGTGTGTTTTACTTCTCAGGAGAATATGTTGTT[A>T]TGACCACTCATTTCCACTTGAAGAGAAAGATTGGCTACTTTGTTATTCAAACATACCTGC-3'
Protein context (NP_001121116.1, residues 230-250): VQSSTGEYVV[Met240Leu]TTHFHLKRKI

ClinVar aggregate classification (germline): Uncertain significance (1 of 4 stars; one submission).

Submission:

GeneDx
Classification: Uncertain significance. Last evaluated: 2023-11-06. Review status: criteria provided, single submitter. Criteria: GeneDx Variant Classification Process June 2021. Collection method: clinical testing. Allele origin: germline. Affected: yes.
Comment: Not observed at significant frequency in large population cohorts (gnomAD); In silico analysis supports that this missense variant does not alter protein structure/function; Has not been previously published as pathogenic or benign to our knowledge